The following is an entry in ClinVar:

NM_002775.5(HTRA1):c.857T>C (p.Phe286Ser)

Gene: HTRA1 (HtrA serine peptidase 1; plus strand). Cytogenetic location: 10q26.13.
Variant type: single nucleotide variant.
Coding change: c.857T>C on transcript NM_002775.5 (MANE Select); coding-DNA position 857, T replaced by C.
Protein change: p.Phe286Ser; replaces phenylalanine 286 with serine.
Molecular consequence: missense variant.
Genome position (GRCh38, 1-based): chr10:122,506,770, T>C. VCF-style: chr10-122506770-T-C. GRCh37 (hg19) VCF-style: chr10-124266286-T-C.
Other names: short protein forms F286S.
Identifiers: ClinVar variation 1709222 (VCV001709222.2), dbSNP rs2497648414, ClinGen allele CA378585540.

ClinVar aggregate classification (germline): Uncertain significance (1 of 4 stars; one submission).

Conditions:
Cerebral arteriopathy, autosomal dominant, with subcortical infarcts and leukoencephalopathy, type 2 (CADASIL2). Identifiers: MedGen C4225211, MONDO:0014768, OMIM 616779.

Submission:

MGZ Medical Genetics Center
Classification: Uncertain significance for Cerebral arteriopathy, autosomal dominant, with subcortical infarcts and leukoencephalopathy, type 2. Last evaluated: 2022-05-23. Review status: criteria provided, single submitter. Criteria: ACMG Guidelines, 2015. Collection method: clinical testing. Allele origin: germline. Affected: yes. Observed: 1 variant allele.
Comment: ACMG criteria applied: PM5, PM2_SUP, PP3